The following is an entry in ClinVar:

NM_000293.3(PHKB):c.1927A>G (p.Lys643Glu)

Gene: PHKB (phosphorylase kinase regulatory subunit beta; plus strand). Cytogenetic location: 16q12.1.
Variant type: single nucleotide variant.
Coding change: c.1927A>G on transcript NM_000293.3 (MANE Select); coding-DNA position 1927, A replaced by G.
Protein change: p.Lys643Glu; replaces lysine 643 with glutamic acid.
Molecular consequence: missense variant.
Genome position (GRCh38, 1-based): chr16:47,650,877, A>G. VCF-style: chr16-47650877-A-G. GRCh37 (hg19) VCF-style: chr16-47684788-A-G.
Other names: c.1906A>G, p.Lys636Glu (NM_001031835.3); c.1927A>G, p.Lys643Glu (NM_001363837.1); short protein forms K636E, K643E.
Identifiers: ClinVar variation 2011156 (VCV002011156.4), dbSNP rs2506575574, ClinGen allele CA395787003.

ClinVar aggregate classification (germline): Uncertain significance (1 of 4 stars; one submission).

Conditions:
Glycogen storage disease IXb (GSD9B). Also called: PHOSPHORYLASE KINASE DEFICIENCY OF LIVER AND MUSCLE, AUTOSOMAL RECESSIVE; GLYCOGENOSIS OF LIVER AND MUSCLE, AUTOSOMAL RECESSIVE; GSD IXb. Identifiers: Orphanet 79240, MedGen C0543514, MONDO:0009868, OMIM 261750.

Submission:

Labcorp Genetics (formerly Invitae), Labcorp
Classification: Uncertain significance for Glycogen storage disease IXb. Last evaluated: 2022-06-26. Review status: criteria provided, single submitter. Criteria: Invitae Variant Classification Sherloc (09022015). Collection method: clinical testing. Allele origin: germline.
Comment: In summary, the available evidence is currently insufficient to determine the role of this variant in disease. Therefore, it has been classified as a Variant of Uncertain Significance. Algorithms developed to predict the effect of missense changes on protein structure and function are either unavailable or do not agree on the potential impact of this missense change (SIFT: "Deleterious"; PolyPhen-2: "Benign"; Align-GVGD: "Class C0"). This variant has not been reported in the literature in individuals affected with PHKB-related conditions. This variant is not present in population databases (gnomAD no frequency). This sequence change replaces lysine, which is basic and polar, with glutamic acid, which is acidic and polar, at codon 643 of the PHKB protein (p.Lys643Glu).